The following is an entry in ClinVar:

ClinVar aggregate classification (germline): Pathogenic/Likely pathogenic. Review status: criteria provided, multiple submitters, no conflicts (2 of 4 stars). 3 submissions from 3 submitters: Pathogenic (2); Likely pathogenic (1). Last evaluated 2025-03-04.

Conditions:
Chuvash polycythemia. Also called: POLYCYTHEMIA, VHL-DEPENDENT. Identifiers: Orphanet 238557, MedGen C1837915, MONDO:0009892, OMIM 263400.
Von Hippel-Lindau syndrome (VHLS). Also called: VHL syndrome; Von Hippel-Lindau; von Hippel–Lindau syndrome. Identifiers: Orphanet 892, MedGen C0019562, MONDO:0008667, OMIM 193300. Disease mechanism: loss of function.

Submissions (3):

Center for Genomic Medicine, Rigshospitalet, Copenhagen University Hospital
Classification: Likely pathogenic. Last evaluated: 2025-03-04. Review status: criteria provided, single submitter. Criteria: ACMG Guidelines, 2015. Collection method: clinical testing. Allele origin: germline.
Comment: Classification criteria: PS3_supporting, PM1_supporting, PM2_supporting, PP3_supporting, PS4_moderate

Labcorp Genetics (formerly Invitae), Labcorp
Classification: Pathogenic for Von Hippel-Lindau syndrome; Chuvash polycythemia. Last evaluated: 2025-01-15. Review status: criteria provided, single submitter. Criteria: Invitae Variant Classification Sherloc (09022015). Collection method: clinical testing. Allele origin: germline.
Comment: This sequence change replaces histidine, which is basic and polar, with glutamine, which is neutral and polar, at codon 115 of the VHL protein (p.His115Gln). This variant is not present in population databases (gnomAD no frequency). This missense change has been observed in individuals with clinical features of von Hippel-Lindau syndrome (PMID: 7728151, 9681856, 9829912, 19949673, 29749453). ClinVar contains an entry for this variant (Variation ID: 496057). Invitae Evidence Modeling of protein sequence and biophysical properties (such as structural, functional, and spatial information, amino acid conservation, physicochemical variation, residue mobility, and thermodynamic stability) indicates that this missense variant is expected to disrupt VHL protein function with a positive predictive value of 95%. Experimental studies have shown that this missense change affects VHL function (PMID: 28775317). This variant disrupts the p.His115 amino acid residue in VHL. Other variant(s) that disrupt this residue have been determined to be pathogenic (PMID: 8707293, 22357542). This suggests that this residue is clinically significant, and that variants that disrupt this residue are likely to be disease-causing. For these reasons, this variant has been classified as Pathogenic.

Women's Health and Genetics/Laboratory Corporation of America, LabCorp
Classification: Pathogenic for Von Hippel-Lindau syndrome. Last evaluated: 2016-02-05. Review status: criteria provided, single submitter. Criteria: LabCorp Variant Classification Summary - May 2015. Collection method: clinical testing. Allele origin: germline.
Comment: Variant summary: This c.345C>A affects a non-conserved nucleotide, resulting in amino acid change from His to Gln. 2/3 in-silico tools predict this variant to be damaging. The residue p.His115 is reported to be critical for interaction with HIF, thus this missense change is unlikely to be tolerated. By a structural/functional assay, interaction energy of residue was ~1.5 kcal/mol weaker than that with histidine in the wild type (Domene_2012), thus proving that the variant leads to functional impairment. This variant was not found in approximately 121600 control chromosomes, including the broad and large populations from ExAC. In literature, the p.His115Gln has been reported as a pathogenic variant found in >6 independent VHL patients/families, including somatic occurrences. At least one database calls this variant as pathogenic. Taken together, this variant has been classified as a Pathogenic.

Literature cited by the submitters: PubMed 29749453 (cited by Center for Genomic Medicine, Rigshospitalet, Copenhagen University Hospital and Labcorp Genetics (formerly Invitae), Labcorp); PubMed 22105711 (cited by Center for Genomic Medicine, Rigshospitalet, Copenhagen University Hospital and Women's Health and Genetics/Laboratory Corporation of America, LabCorp); PubMed 28775317 (cited by Center for Genomic Medicine, Rigshospitalet, Copenhagen University Hospital and Labcorp Genetics (formerly Invitae), Labcorp); PubMed 7728151 (cited by Labcorp Genetics (formerly Invitae), Labcorp and Women's Health and Genetics/Laboratory Corporation of America, LabCorp); PubMed 9681856 (cited by Labcorp Genetics (formerly Invitae), Labcorp and Women's Health and Genetics/Laboratory Corporation of America, LabCorp); PubMed 9829912 (cited by Labcorp Genetics (formerly Invitae), Labcorp); PubMed 19949673 (cited by Labcorp Genetics (formerly Invitae), Labcorp and Women's Health and Genetics/Laboratory Corporation of America, LabCorp); PubMed 8707293 (cited by Labcorp Genetics (formerly Invitae), Labcorp); PubMed 22357542 (cited by Labcorp Genetics (formerly Invitae), Labcorp); PubMed 26206375 (cited by Women's Health and Genetics/Laboratory Corporation of America, LabCorp); PubMed 25078357 (cited by Women's Health and Genetics/Laboratory Corporation of America, LabCorp); PubMed 8956040 (cited by Women's Health and Genetics/Laboratory Corporation of America, LabCorp); PubMed 20151405 (cited by Women's Health and Genetics/Laboratory Corporation of America, LabCorp).

NM_000551.4(VHL):c.345C>A (p.His115Gln)

Genes: VHL (von Hippel-Lindau tumor suppressor; plus strand), LOC107303340 (3p25 von Hippel-Lindau tumor suppressor, E3 ubiquitin protein ligase Alu-mediated recombination region; plus strand). Cytogenetic location: 3p25.3.
Variant type: single nucleotide variant.
Coding change: c.345C>A on transcript NM_000551.4 (MANE Select); coding-DNA position 345, C replaced by A.
Protein change: p.His115Gln; replaces histidine 115 with glutamine.
Molecular consequence: missense variant. On other transcripts: intron variant (2).
Genome position (GRCh38, 1-based): chr3:10,146,518, C>A. VCF-style: chr3-10146518-C-A. GRCh37 (hg19) VCF-style: chr3-10188202-C-A.
Other names: c.*18-3269C>A (NM_001354723.2); c.341-3269C>A (NM_198156.3); short protein forms H115Q.
Identifiers: ClinVar variation 496057 (VCV000496057.12), dbSNP rs864622646, ClinGen allele CA351753631.